The following is an entry in ClinVar:

NM_016580.4(PCDH12):c.2635C>G (p.Pro879Ala)

Genes: PCDH12 (protocadherin 12; minus strand), RNF14 (ring finger protein 14; plus strand). Cytogenetic location: 5q31.3.
Variant type: single nucleotide variant.
Coding change: c.2635C>G on transcript NM_016580.4 (MANE Select); coding-DNA position 2635, C replaced by G.
Protein change: p.Pro879Ala; replaces proline 879 with alanine.
Molecular consequence: missense variant.
Genome position (GRCh38, 1-based): chr5:141,955,217, G>C on the plus strand (C>G on the coding strand, the complement: PCDH12 is on the minus strand). VCF-style: chr5-141955217-G-C. GRCh37 (hg19) VCF-style: chr5-141334782-G-C.
Other names: short protein forms P879A.
Identifiers: ClinVar variation 726855 (VCV000726855.12), dbSNP rs61737138, ClinGen allele CA3484169.

ClinVar aggregate classification (germline): Benign. Review status: criteria provided, single submitter (1 of 4 stars). 2 submissions from 2 submitters: Benign (1). 1 of the submissions does not count toward it. Last evaluated 2026-01-07.

Conditions:
PCDH12-related disorder. Also called: PCDH12-related condition.

Allele frequency attached by ClinVar (database versions not stated): ExAC 0.00155; ESP Exome Variant Server 0.00431; gnomAD 0.00503; TOPMed 0.00522; 1000 Genomes Project 0.00759; 1000 Genomes Project 30x 0.00781.
gnomAD v4.1: 1,509 of 1,614,194 alleles (0.093%); highest among the groups gnomAD compares: African/African-American, 1.7%; 9 homozygotes.

Submissions (2):

Labcorp Genetics (formerly Invitae), Labcorp
Classification: Benign. Last evaluated: 2026-01-07. Review status: criteria provided, single submitter. Criteria: Invitae Variant Classification Sherloc (09022015). Collection method: clinical testing. Allele origin: germline.

PreventionGenetics, part of Exact Sciences
Classification: Benign for PCDH12-related condition. Last evaluated: 2019-03-25. Review status: no assertion criteria provided. Collection method: clinical testing. Allele origin: germline. Not counted in ClinVar's aggregate classification.
Comment: This variant is classified as benign based on ACMG/AMP sequence variant interpretation guidelines (Richards et al. 2015 PMID: 25741868, with internal and published modifications).